The following is an entry in ClinVar:

NM_001754.5(RUNX1):c.581A>C (p.Lys194Thr)

Genes: RUNX1-AS1 (RUNX1 antisense RNA 1; plus strand), RUNX1 (RUNX family transcription factor 1; minus strand). Cytogenetic location: 21q22.12.
Variant type: single nucleotide variant.
Coding change: c.581A>C on transcript NM_001754.5 (MANE Select); coding-DNA position 581, A replaced by C.
Protein change: p.Lys194Thr; replaces lysine 194 with threonine.
Molecular consequence: missense variant.
Genome position (GRCh38, 1-based): chr21:34,859,506, T>G on the plus strand (A>C on the coding strand, the complement: RUNX1 is on the minus strand). VCF-style: chr21-34859506-T-G. GRCh37 (hg19) VCF-style: chr21-36231803-T-G.
Other names: NM_001754.5(RUNX1):c.581A>C; p.Lys194Thr; c.500A>C, p.Lys167Thr (NM_001001890.3, NM_001122607.2); short protein forms K167T, K194T.
Identifiers: ClinVar variation 1466051 (VCV001466051.9), dbSNP rs2146235183, ClinGen allele CA410208001.
Genomic context (GRCh38, chr21:34,859,506, plus strand): 5'-TGTACCAGCCCCAAGTGGATGCACTTACTTCGAGGTTCTCGGGGCCCATCCACTGTGATT[T>G]TGATGGCTCTGTGGTAGGTGGCGACTTGCGGTGGGTTTGTGAAGACAGTGATGGTCAGAG-3'
Protein context (NP_001745.2, residues 184-204): PQVATYHRAI[Lys194Thr]ITVDGPREPR

ClinVar aggregate classification (germline): Likely pathogenic. Review status: reviewed by expert panel (3 of 4 stars). 2 submissions from 2 submitters: Likely pathogenic (1). 1 of the submissions does not count toward it. Last evaluated 2026-04-29.

Conditions:
Hereditary thrombocytopenia and hematologic cancer predisposition syndrome. Identifiers: Orphanet 71290, MedGen CN281654, MONDO:0011071.
Hereditary thrombocytopenia and hematological cancer predisposition syndrome associated with RUNX1. Also called: RUNX1 Familial Platelet Disorder with Associated Myeloid Malignancies; Familial Platelet Disorder with Propensity to Acute Myelogenous Leukemia; Familial thrombocytopenia with propensity to acute myelogenous leukemia; PLATELET DISORDER, ASPIRIN-LIKE. Identifiers: Orphanet 71290, MedGen C1832388, MeSH C563324, MONDO:0100083, OMIM 601399.

Submissions (2):

ClinGen Myeloid Malignancy Variant Curation Expert Panel
Classification: Likely pathogenic for Hereditary thrombocytopenia and hematologic cancer predisposition syndrome. Last evaluated: 2026-04-29. Review status: reviewed by expert panel. Criteria: ClinGen MyeloMalig ACMG Specifications V3.1. Collection method: curation. Allele origin: germline. Inheritance: Autosomal dominant inheritance.
Comment: NM_001754.5(RUNX1):c.581A>C (p.Lys194Thr) is a missense variant which affects one of the hotspot residues (K194) in the RHD (PM1_strong). This variant has a REVEL score ≥ 0.88 (0.949) (PP3) and is completely absent from all population databases with at least 20x coverage for RUNX1 (PM2_supporting). In summary, this variant meets criteria to be classified as likely pathogenic. ACMG/AMP criteria applied, as specified by the Myeloid Malignancy Variant Curation Expert Panel for RUNX1: PM1_strong, PP3, PM2_supporting.

Labcorp Genetics (formerly Invitae), Labcorp
Classification: Uncertain significance for Hereditary thrombocytopenia and hematological cancer predisposition syndrome associated with RUNX1. Last evaluated: 2021-08-06. Review status: criteria provided, single submitter. Criteria: Invitae Variant Classification Sherloc (09022015). Collection method: clinical testing. Allele origin: germline. Not counted in ClinVar's aggregate classification.
Comment: In summary, the available evidence is currently insufficient to determine the role of this variant in disease. Therefore, it has been classified as a Variant of Uncertain Significance. Algorithms developed to predict the effect of missense changes on protein structure and function are either unavailable or do not agree on the potential impact of this missense change (SIFT: "Deleterious"; PolyPhen-2: "Probably Damaging"; Align-GVGD: "Class C0"). This variant has not been reported in the literature in individuals affected with RUNX1-related conditions. This variant is not present in population databases (ExAC no frequency). This sequence change replaces lysine with threonine at codon 194 of the RUNX1 protein (p.Lys194Thr). The lysine residue is highly conserved and there is a moderate physicochemical difference between lysine and threonine.